The following is an entry in ClinVar:

ClinVar aggregate classification (germline): Pathogenic (1 of 4 stars; one submission).

Conditions:
Familial hemophagocytic lymphohistiocytosis 5. Also called: STXBP2-Related Familial Hemophagocytic Lymphohistiocytosis (STXBP2-fHLH). Identifiers: Orphanet 540, MedGen C2751293, MONDO:0013135, OMIM 613101.

Submission:

Labcorp Genetics (formerly Invitae), Labcorp
Classification: Pathogenic for Familial hemophagocytic lymphohistiocytosis 5. Last evaluated: 2023-07-14. Review status: criteria provided, single submitter. Criteria: Invitae Variant Classification Sherloc (09022015). Collection method: clinical testing. Allele origin: germline.
Comment: This sequence change creates a premature translational stop signal (p.Lys403Aspfs*16) in the STXBP2 gene. It is expected to result in an absent or disrupted protein product. Loss-of-function variants in STXBP2 are known to be pathogenic (PMID: 19804848, 22451424). This variant is not present in population databases (gnomAD no frequency). For these reasons, this variant has been classified as Pathogenic. This variant has not been reported in the literature in individuals affected with STXBP2-related conditions.

Literature cited by the submitters: PubMed 19804848; PubMed 22451424.

NM_006949.4(STXBP2):c.1207_1208del (p.Lys403fs)

Gene: STXBP2 (syntaxin binding protein 2; plus strand). Cytogenetic location: 19p13.2.
Variant type: Deletion.
Coding change: c.1207_1208del on transcript NM_006949.4 (MANE Select); coding-DNA positions 1207 to 1208, 2 bases deleted (AA; older notation c.1207_1208delAA).
Protein change: p.Lys403fs; shifts the reading frame from lysine 403.
Molecular consequence: frameshift variant. On other transcripts: non-coding transcript variant (1).
Genome position (GRCh38, 1-based): chr19:7,644,713-7,644,714, AA deleted. VCF-style (leftmost placement, unchanged base first): chr19-7644712-CAA-C. GRCh37 (hg19) VCF-style: chr19-7709598-CAA-C.
Other names: c.1198_1199del, p.Lys400fs (NM_001127396.3); c.1240_1241del, p.Lys414fs (NM_001272034.2); c.1111_1112del, p.Lys371fs (NM_001414484.1); short protein forms K403fs, K400fs, K414fs, K371fs.
Identifiers: ClinVar variation 2743350 (VCV002743350.3), dbSNP rs2512706203, ClinGen allele CA2697556197.